The following is an entry in ClinVar:

ClinVar aggregate classification (germline): Uncertain significance. Review status: criteria provided, multiple submitters, no conflicts (2 of 4 stars). 2 submissions from 2 submitters: Uncertain significance (2). Last evaluated 2025-03-26.

Conditions:
Neuropathy, hereditary sensory and autonomic, type 2A (HSAN2A). Also called: MORVAN DISEASE; NEUROPATHY, CONGENITAL SENSORY; NEUROPATHY, HEREDITARY SENSORY RADICULAR, AUTOSOMAL RECESSIVE; NEUROPATHY, HEREDITARY SENSORY, TYPE IIA; NEUROPATHY, PROGRESSIVE SENSORY, OF CHILDREN; HSAN IIA. Identifiers: Orphanet 970, MedGen C2752089, MONDO:0024309, OMIM 201300.
Generalized epilepsy with febrile seizures plus, type 7 (GEFSP7). Also called: GEFS+, TYPE 7. Identifiers: Orphanet 36387, MedGen C2751778, MONDO:0013470, OMIM 613863.
Inborn genetic diseases. Identifiers: MedGen C0950123, MeSH D030342.

Submissions (2):

Ambry Genetics
Classification: Uncertain significance for Inborn genetic diseases. Last evaluated: 2025-03-26. Review status: criteria provided, single submitter. Criteria: Ambry Variant Classification Scheme 2023. Collection method: clinical testing. Allele origin: germline.

Labcorp Genetics (formerly Invitae), Labcorp
Classification: Uncertain significance for Neuropathy, hereditary sensory and autonomic, type 2A; Generalized epilepsy with febrile seizures plus, type 7. Last evaluated: 2024-01-02. Review status: criteria provided, single submitter. Criteria: Invitae Variant Classification Sherloc (09022015). Collection method: clinical testing. Allele origin: germline.
Comment: This sequence change replaces leucine, which is neutral and non-polar, with valine, which is neutral and non-polar, at codon 1231 of the SCN9A protein (p.Leu1231Val). This variant is not present in population databases (gnomAD no frequency). This variant has not been reported in the literature in individuals affected with SCN9A-related conditions. Advanced modeling of protein sequence and biophysical properties (such as structural, functional, and spatial information, amino acid conservation, physicochemical variation, residue mobility, and thermodynamic stability) performed at Invitae indicates that this missense variant is not expected to disrupt SCN9A protein function with a negative predictive value of 80%. In summary, the available evidence is currently insufficient to determine the role of this variant in disease. Therefore, it has been classified as a Variant of Uncertain Significance.

NM_001365536.1(SCN9A):c.3724C>G (p.Leu1242Val)

Genes: SCN1A-AS1 (SCN1A and SCN9A antisense RNA 1; plus strand), SCN9A (sodium voltage-gated channel alpha subunit 9; minus strand). Cytogenetic location: 2q24.3.
Variant type: single nucleotide variant.
Coding change: c.3724C>G on transcript NM_001365536.1 (MANE Select); coding-DNA position 3724, C replaced by G.
Protein change: p.Leu1242Val; replaces leucine 1242 with valine.
Molecular consequence: missense variant.
Genome position (GRCh38, 1-based): chr2:166,238,171, G>C on the plus strand (C>G on the coding strand, the complement: SCN9A is on the minus strand). VCF-style: chr2-166238171-G-C. GRCh37 (hg19) VCF-style: chr2-167094681-G-C.
Other names: c.3691C>G, p.Leu1231Val (NM_002977.4); short protein forms L1231V, L1242V.
Identifiers: ClinVar variation 2954209 (VCV002954209.4), dbSNP rs2469006256, ClinGen allele CA349068658.